The following is an entry in ClinVar:

NM_001354604.2(MITF):c.620G>A (p.Ser207Asn)

Gene: MITF (melanocyte inducing transcription factor; plus strand). Cytogenetic location: 3p13.
Variant type: single nucleotide variant.
Coding change: c.620G>A on transcript NM_001354604.2 (MANE Select); coding-DNA position 620, G replaced by A.
Protein change: p.Ser207Asn; replaces serine 207 with asparagine.
Molecular consequence: missense variant.
Genome position (GRCh38, 1-based): chr3:69,939,135, G>A. VCF-style: chr3-69939135-G-A. GRCh37 (hg19) VCF-style: chr3-69988286-G-A.
Other names: c.299G>A, p.Ser100Asn (NM_000248.4, NM_198158.3); c.464G>A, p.Ser155Asn (NM_001184967.2, NM_001354608.2); c.617G>A, p.Ser206Asn (NM_001354605.2, NM_001354606.2, NM_006722.3); c.569G>A, p.Ser190Asn (NM_001354607.2); c.620G>A, p.Ser207Asn (NM_198159.3); c.572G>A, p.Ser191Asn (NM_198177.3); c.131G>A, p.Ser44Asn (NM_198178.3); short protein forms S100N, S155N, S190N, S191N, S206N, S207N, S44N.
Identifiers: ClinVar variation 3342408 (VCV003342408.4).

ClinVar aggregate classification (germline): Uncertain significance. Review status: criteria provided, multiple submitters, no conflicts (2 of 4 stars). 3 submissions from 3 submitters: Uncertain significance (3). Last evaluated 2025-06-29.

Conditions:
Tietz syndrome (TADS). Also called: ALBINISM-DEAFNESS OF TIETZ; HYPOPIGMENTATION/DEAFNESS OF TIETZ; TIETZ ALBINISM-DEAFNESS SYNDROME. Identifiers: Orphanet 42665, MedGen C0391816, MONDO:0007077, OMIM 103500.
Waardenburg syndrome type 2A (WS2A). Also called: WAARDENBURG SYNDROME WITHOUT DYSTOPIA CANTHORUM. Identifiers: Orphanet 3440, MedGen C1860339, MONDO:0008671, OMIM 193510.
Melanoma, cutaneous malignant, susceptibility to, 8. Also called: MELANOMA AND RENAL CELL CARCINOMA, SUSCEPTIBILITY TO; Cutaneous malignant melanoma 8. Identifiers: Orphanet 293822, MedGen C3152204, MONDO:0013759, OMIM 614456.

gnomAD v4.1: 4 of 1,614,020 alleles (0.00025%); highest among the groups gnomAD compares: African/African-American, 0.004%; no homozygotes.

Submissions (3):

Labcorp Genetics (formerly Invitae), Labcorp
Classification: Uncertain significance for Melanoma, cutaneous malignant, susceptibility to, 8; Waardenburg syndrome type 2A; Tietz syndrome. Last evaluated: 2025-06-29. Review status: criteria provided, single submitter. Criteria: Invitae Variant Classification Sherloc (09022015). Collection method: clinical testing. Allele origin: germline.
Comment: This sequence change replaces serine, which is neutral and polar, with asparagine, which is neutral and polar, at codon 100 of the MITF protein (p.Ser100Asn). This variant is present in population databases (no rsID available, gnomAD 0.0009%). This variant has not been reported in the literature in individuals affected with MITF-related conditions. ClinVar contains an entry for this variant (Variation ID: 3342408). An algorithm developed to predict the effect of missense changes on protein structure and function (PolyPhen-2) suggests that this variant is likely to be disruptive. In summary, the available evidence is currently insufficient to determine the role of this variant in disease. Therefore, it has been classified as a Variant of Uncertain Significance.

GeneDx
Classification: Uncertain significance. Last evaluated: 2023-08-08. Review status: criteria provided, single submitter. Criteria: GeneDx Variant Classification Process June 2021. Collection method: clinical testing. Allele origin: germline. Affected: yes.
Comment: Not observed at significant frequency in large population cohorts (gnomAD); In silico analysis supports that this missense variant does not alter protein structure/function; Has not been previously published as pathogenic or benign to our knowledge

Blueprint Genetics
Classification: Uncertain significance. Last evaluated: 2022-01-20. Review status: criteria provided, single submitter. Criteria: ACMG Guidelines, 2015. Collection method: clinical testing. Allele origin: germline.